The following is an entry in ClinVar:

ClinVar aggregate classification (germline): Uncertain significance. Review status: criteria provided, multiple submitters, no conflicts (2 of 4 stars). 2 submissions from 2 submitters: Uncertain significance (2). Last evaluated 2025-05-19.

Allele frequency attached by ClinVar (database versions not stated): TOPMed 0.00002; ExAC 0.00002.
gnomAD v4.1: 23 of 1,609,762 alleles (0.0014%); highest among the groups gnomAD compares: East Asian, 0.0067%; no homozygotes.

Submissions (2):

Ambry Genetics
Classification: Uncertain significance. Last evaluated: 2025-05-19. Review status: criteria provided, single submitter. Criteria: Ambry Variant Classification Scheme 2023. Collection method: clinical testing. Allele origin: germline.

Labcorp Genetics (formerly Invitae), Labcorp
Classification: Uncertain significance. Last evaluated: 2024-10-22. Review status: criteria provided, single submitter. Criteria: Invitae Variant Classification Sherloc (09022015). Collection method: clinical testing. Allele origin: germline.
Comment: This sequence change replaces valine, which is neutral and non-polar, with isoleucine, which is neutral and non-polar, at codon 198 of the COQ7 protein (p.Val198Ile). This variant is present in population databases (rs201474239, gnomAD 0.02%). This variant has not been reported in the literature in individuals affected with COQ7-related conditions. ClinVar contains an entry for this variant (Variation ID: 2150674). An algorithm developed to predict the effect of missense changes on protein structure and function outputs the following: PolyPhen-2: "Benign". The isoleucine amino acid residue is found in multiple mammalian species, which suggests that this missense change does not adversely affect protein function. In summary, the available evidence is currently insufficient to determine the role of this variant in disease. Therefore, it has been classified as a Variant of Uncertain Significance.

NM_016138.5(COQ7):c.592G>A (p.Val198Ile)

Gene: COQ7 (coenzyme Q7, hydroxylase; plus strand). Cytogenetic location: 16p12.3.
Variant type: single nucleotide variant.
Coding change: c.592G>A on transcript NM_016138.5 (MANE Select); coding-DNA position 592, G replaced by A.
Protein change: p.Val198Ile; replaces valine 198 with isoleucine.
Molecular consequence: missense variant. On other transcripts: non-coding transcript variant (3).
Genome position (GRCh38, 1-based): chr16:19,078,096, G>A. VCF-style: chr16-19078096-G-A. GRCh37 (hg19) VCF-style: chr16-19089418-G-A.
Other names: c.478G>A, p.Val160Ile (NM_001190983.2, NM_001370492.1, NM_001370493.1 and 1 more transcripts); c.550G>A, p.Val184Ile (NM_001370489.1); c.523G>A, p.Val175Ile (NM_001370490.1); c.481G>A, p.Val161Ile (NM_001370491.1); c.409G>A, p.Val137Ile (NM_001370495.1); c.592G>A (NM_016138.4); short protein forms V175I, V184I, V198I, V161I, V137I, V160I.
Identifiers: ClinVar variation 2150674 (VCV002150674.5), dbSNP rs201474239, ClinGen allele CA7933091.